The following is an entry in ClinVar:

NM_000238.4(KCNH2):c.803C>T (p.Ala268Val)

Gene: KCNH2 (potassium voltage-gated channel subfamily H member 2; minus strand). Cytogenetic location: 7q36.1.
Variant type: single nucleotide variant.
Coding change: c.803C>T on transcript NM_000238.4 (MANE Select); coding-DNA position 803, C replaced by T.
Protein change: p.Ala268Val; replaces alanine 268 with valine.
Molecular consequence: missense variant.
Genome position (GRCh38, 1-based): chr7:150,958,172, G>A on the plus strand (C>T on the coding strand, the complement: KCNH2 is on the minus strand). VCF-style: chr7-150958172-G-A. GRCh37 (hg19) VCF-style: chr7-150655260-G-A.
Other names: c.515C>T, p.Ala172Val (NM_001406753.1, NM_001406756.1); c.626C>T, p.Ala209Val (NM_001406755.1); c.503C>T, p.Ala168Val (NM_001406757.1); c.803C>T, p.Ala268Val (NM_172056.3); short protein forms A268V, A168V, A209V, A172V.
Identifiers: ClinVar variation 1423311 (VCV001423311.8), dbSNP rs1241943196, ClinGen allele CA369862422.

ClinVar aggregate classification (germline): Uncertain significance. Review status: criteria provided, multiple submitters, no conflicts (2 of 4 stars). 2 submissions from 2 submitters: Uncertain significance (2). Last evaluated 2024-03-07.

Conditions:
Cardiovascular phenotype. Identifiers: MedGen CN230736.
Long QT syndrome (LQTS). Identifiers: MedGen C0023976, MeSH D008133, MONDO:0002442. Disease mechanism: loss of function. Inheritance: Various modes of inheritance.

gnomAD v4.1: 2 of 1,353,206 alleles (0.00015%); highest among the groups gnomAD compares: Non-Finnish European, 0.00019%; no homozygotes.

Submissions (2):

Ambry Genetics
Classification: Uncertain significance for Cardiovascular phenotype. Last evaluated: 2024-03-07. Review status: criteria provided, single submitter. Criteria: Ambry Variant Classification Scheme 2023. Collection method: clinical testing. Allele origin: germline.
Comment: The p.A268V variant (also known as c.803C>T), located in coding exon 4 of the KCNH2 gene, results from a C to T substitution at nucleotide position 803. The alanine at codon 268 is replaced by valine, an amino acid with similar properties. This amino acid position is not well conserved in available vertebrate species. In addition, the in silico prediction for this alteration is inconclusive. Based on the available evidence, the clinical significance of this alteration remains unclear.

Labcorp Genetics (formerly Invitae), Labcorp
Classification: Uncertain significance for Long QT syndrome. Last evaluated: 2023-11-18. Review status: criteria provided, single submitter. Criteria: Invitae Variant Classification Sherloc (09022015). Collection method: clinical testing. Allele origin: germline.
Comment: This sequence change replaces alanine, which is neutral and non-polar, with valine, which is neutral and non-polar, at codon 268 of the KCNH2 protein (p.Ala268Val). This variant is not present in population databases (gnomAD no frequency). This variant has not been reported in the literature in individuals affected with KCNH2-related conditions. ClinVar contains an entry for this variant (Variation ID: 1423311). An algorithm developed to predict the effect of missense changes on protein structure and function (PolyPhen-2) suggests that this variant is likely to be tolerated. In summary, the available evidence is currently insufficient to determine the role of this variant in disease. Therefore, it has been classified as a Variant of Uncertain Significance.